The following is an entry in ClinVar:

ClinVar aggregate classification (germline): Uncertain significance. Review status: criteria provided, multiple submitters, no conflicts (2 of 4 stars). 2 submissions from 2 submitters: Uncertain significance (2). Last evaluated 2025-02-17.

Conditions:
Inborn genetic diseases. Identifiers: MedGen C0950123, MeSH D030342.
PCSK1-related disorder. Also called: PCSK1-related condition.

gnomAD v4.1: 11 of 1,614,034 alleles (0.00068%); highest among the groups gnomAD compares: Non-Finnish European, 0.00093%; no homozygotes.

Submissions (2):

PreventionGenetics, part of Exact Sciences
Classification: Uncertain significance for PCSK1-related condition. Last evaluated: 2025-02-17. Review status: criteria provided, single submitter. Criteria: ACMG Guidelines, 2015. Collection method: clinical testing. Allele origin: germline.
Comment: The PCSK1 c.1380C>A variant is predicted to result in the amino acid substitution p.Ser460Arg. To our knowledge, this variant has not been reported in the literature. This variant is reported in 0.0018% of alleles in individuals of European (Non-Finnish) descent in gnomAD. At this time, the clinical significance of this variant is uncertain due to the absence of conclusive functional and genetic evidence.

Ambry Genetics
Classification: Uncertain significance for Inborn genetic diseases. Last evaluated: 2025-01-15. Review status: criteria provided, single submitter. Criteria: Ambry Variant Classification Scheme 2023. Collection method: clinical testing. Allele origin: germline.

NM_000439.5(PCSK1):c.1380C>A (p.Ser460Arg)

Genes: PCSK1 (proprotein convertase subtilisin/kexin type 1; minus strand), CAST (calpastatin; plus strand), LOC101929710 (uncharacterized LOC101929710; plus strand). Cytogenetic location: 5q15.
Variant type: single nucleotide variant.
Coding change: c.1380C>A on transcript NM_000439.5 (MANE Select); coding-DNA position 1380, C replaced by A.
Protein change: p.Ser460Arg; replaces serine 460 with arginine.
Molecular consequence: missense variant. On other transcripts: intron variant (11).
Genome position (GRCh38, 1-based): chr5:96,400,003, G>T on the plus strand (C>A on the coding strand, the complement: PCSK1 is on the minus strand). VCF-style: chr5-96400003-G-T. GRCh37 (hg19) VCF-style: chr5-95735707-G-T.
Other names: c.1239C>A, p.Ser413Arg (NM_001177875.2); c.-175+20351G>T (NM_001423254.1, NM_001423259.1, NM_001423255.1 and 6 more transcripts); c.-103+20351G>T (NM_001423253.1); c.-40+20351G>T (NM_001423258.1); short protein forms S413R, S460R.
Identifiers: ClinVar variation 3887013 (VCV003887013.2).